The following is an entry in ClinVar:

NM_014915.3(ANKRD26):c.1073T>G (p.Met358Arg)

Gene: ANKRD26 (ankyrin repeat domain containing 26; minus strand). Cytogenetic location: 10p12.1.
Variant type: single nucleotide variant.
Coding change: c.1073T>G on transcript NM_014915.3 (MANE Select); coding-DNA position 1073, T replaced by G.
Protein change: p.Met358Arg; replaces methionine 358 with arginine.
Molecular consequence: missense variant.
Genome position (GRCh38, 1-based): chr10:27,077,342, A>C on the plus strand (T>G on the coding strand, the complement: ANKRD26 is on the minus strand). VCF-style: chr10-27077342-A-C. GRCh37 (hg19) VCF-style: chr10-27366271-A-C.
Other names: c.1073T>G, p.Met358Arg (NM_001256053.2); short protein forms M358R.
Identifiers: ClinVar variation 3396521 (VCV003396521.1).

ClinVar aggregate classification (germline): Uncertain significance (1 of 4 stars; one submission).

Conditions:
Inborn genetic diseases. Identifiers: MedGen C0950123, MeSH D030342.

gnomAD v4.1: 4 of 1,612,922 alleles (0.00025%); highest among the groups gnomAD compares: Admixed American, 0.0017%; no homozygotes.

Submission:

Ambry Genetics
Classification: Uncertain significance for Inborn genetic diseases. Last evaluated: 2024-10-02. Review status: criteria provided, single submitter. Criteria: Ambry Variant Classification Scheme 2023. Collection method: clinical testing. Allele origin: germline.
Comment: The p.M358R variant (also known as c.1073T>G), located in coding exon 9 of the ANKRD26 gene, results from a T to G substitution at nucleotide position 1073. The methionine at codon 358 is replaced by arginine, an amino acid with similar properties. This amino acid position is conserved. In addition, this alteration is predicted to be tolerated by in silico analysis. Based on the available evidence, the clinical significance of this variant remains unclear.